The following is an entry in ClinVar:

ClinVar aggregate classification (germline): Uncertain significance. Review status: criteria provided, multiple submitters, no conflicts (2 of 4 stars). 8 submissions from 8 submitters: Uncertain significance (7). 1 of the submissions does not count toward it. Last evaluated 2025-05-02.

Conditions:
CEP290-related disorder. Also called: CEP290-related condition; CEP290-related disorders. Identifiers: MedGen CN239314.
Nephronophthisis. Also called: Juvenile Nephronophthisis. Identifiers: Orphanet 655, MedGen C0687120, MONDO:0019005, HP:0000090.
Meckel-Gruber syndrome. Also called: Dysencephalia splachnocystica; DYSENCEPHALIA SPLANCHNOCYSTICA; GRUBER SYNDROME. Identifiers: Orphanet 564, MedGen C0265215, MONDO:0018921.
Joubert syndrome. Also called: JOUBERT-BOLTSHAUSER SYNDROME; Familial aplasia of the vermis. Identifiers: Orphanet 475, MedGen C5979921, MONDO:0018772.
Inborn genetic diseases. Identifiers: MedGen C0950123, MeSH D030342.
Joubert syndrome 5 (JBTS5). Identifiers: Orphanet 2318, MedGen C1857780, MONDO:0012432, OMIM 610188.
Bardet-Biedl syndrome 14 (BBS14). Identifiers: Orphanet 110, MedGen C2673874, MONDO:0014442, OMIM 615991.
Meckel syndrome, type 4 (MKS4). Also called: MECKEL-GRUBER SYNDROME, TYPE 4. Identifiers: Orphanet 564, MedGen C1970161, MONDO:0012626, OMIM 611134.
Senior-Loken syndrome 6 (SLSN6). Identifiers: Orphanet 3156, MedGen C1857779, MONDO:0012433, OMIM 610189.
Leber congenital amaurosis 10 (LCA10). Identifiers: Orphanet 65, MedGen C1857821, MONDO:0012723, OMIM 611755.
Leber congenital amaurosis (LCA). Also called: Leber's amaurosis. Identifiers: Orphanet 65, MedGen C0339527, MeSH D057130, MONDO:0018998.

Allele frequency attached by ClinVar (database versions not stated): gnomAD 0.00001; gnomAD exomes 0.00001; TOPMed 0.00003.

Submissions (8):

PreventionGenetics, part of Exact Sciences
Classification: Uncertain significance for CEP290-related condition. Last evaluated: 2025-05-02. Review status: criteria provided, single submitter. Criteria: ACMG Guidelines, 2015. Collection method: clinical testing. Allele origin: germline.
Comment: The CEP290 c.1517G>A variant is predicted to result in the amino acid substitution p.Arg506His. To our knowledge, this variant has not been reported in the literature. This variant is reported in 0.0014% of alleles in individuals of European (Non-Finnish) descent in gnomAD. At this time, the clinical significance of this variant is uncertain due to the absence of conclusive functional and genetic evidence.

Labcorp Genetics (formerly Invitae), Labcorp
Classification: Uncertain significance for Joubert syndrome; Meckel-Gruber syndrome; Nephronophthisis. Last evaluated: 2024-12-03. Review status: criteria provided, single submitter. Criteria: Invitae Variant Classification Sherloc (09022015). Collection method: clinical testing. Allele origin: germline.
Comment: This sequence change replaces arginine, which is basic and polar, with histidine, which is basic and polar, at codon 506 of the CEP290 protein (p.Arg506His). The frequency data for this variant in the population databases is considered unreliable, as metrics indicate poor data quality at this position in the gnomAD database. This variant has not been reported in the literature in individuals affected with CEP290-related conditions. ClinVar contains an entry for this variant (Variation ID: 434742). Invitae Evidence Modeling of protein sequence and biophysical properties (such as structural, functional, and spatial information, amino acid conservation, physicochemical variation, residue mobility, and thermodynamic stability) indicates that this missense variant is expected to disrupt CEP290 protein function with a positive predictive value of 80%. In summary, the available evidence is currently insufficient to determine the role of this variant in disease. Therefore, it has been classified as a Variant of Uncertain Significance.

Ambry Genetics
Classification: Uncertain significance for Inborn genetic diseases. Last evaluated: 2024-05-24. Review status: criteria provided, single submitter. Criteria: Ambry Variant Classification Scheme 2023. Collection method: clinical testing. Allele origin: germline.

Fulgent Genetics
Classification: Uncertain significance for Joubert syndrome 5; Senior-Loken syndrome 6; Meckel syndrome, type 4; Leber congenital amaurosis 10; Bardet-Biedl syndrome 14. Last evaluated: 2024-03-27. Review status: criteria provided, single submitter. Criteria: ACMG Guidelines, 2015. Collection method: clinical testing. Allele origin: germline.

Blueprint Genetics
Classification: Uncertain significance. Last evaluated: 2022-01-12. Review status: criteria provided, single submitter. Criteria: ACMG Guidelines, 2015. Collection method: clinical testing. Allele origin: germline.

GeneDx
Classification: Uncertain significance. Last evaluated: 2019-11-12. Review status: criteria provided, single submitter. Criteria: GeneDx Variant Classification Process June 2021. Collection method: clinical testing. Allele origin: germline. Affected: yes.
Comment: In silico analysis, which includes protein predictors and evolutionary conservation, supports a deleterious effect; Has not been previously published as pathogenic or benign to our knowledge

Genetic Services Laboratory, University of Chicago
Classification: Uncertain significance. Last evaluated: 2017-06-21. Review status: criteria provided, single submitter. Criteria: ACMG Guidelines, 2015. Collection method: clinical testing. Allele origin: germline. Affected: no.

Natera, Inc.
Classification: Uncertain significance for Leber congenital amaurosis. Last evaluated: 2020-04-17. Review status: no assertion criteria provided. Collection method: clinical testing. Allele origin: germline. Not counted in ClinVar's aggregate classification.

NM_025114.4(CEP290):c.1517G>A (p.Arg506His)

Gene: CEP290 (centrosomal protein 290; minus strand). Cytogenetic location: 12q21.32.
Variant type: single nucleotide variant.
Coding change: c.1517G>A on transcript NM_025114.4 (MANE Select); coding-DNA position 1517, G replaced by A.
Protein change: p.Arg506His; replaces arginine 506 with histidine.
Molecular consequence: missense variant.
Genome position (GRCh38, 1-based): chr12:88,120,119, C>T on the plus strand (G>A on the coding strand, the complement: CEP290 is on the minus strand). VCF-style: chr12-88120119-C-T. GRCh37 (hg19) VCF-style: chr12-88513896-C-T.
Other names: short protein forms R506H.
Identifiers: ClinVar variation 434742 (VCV000434742.19), dbSNP rs866571949, ClinGen allele CA241151880.